The following is an entry in ClinVar:

ClinVar aggregate classification (germline): Likely benign (0 of 4 stars; one submission).

Conditions:
PLXNA3-related disorder. Also called: PLXNA3-related condition.

Allele frequency attached by ClinVar (database versions not stated): gnomAD exomes 0.00004; gnomAD 0.00008; ESP Exome Variant Server 0.00010; TOPMed 0.00011; ExAC 0.00017.
gnomAD v4.1: 51 of 1,198,883 alleles (0.0043%); highest among the groups gnomAD compares: East Asian, 0.084%; no homozygotes.

Submission:

PreventionGenetics, part of Exact Sciences
Classification: Likely benign for PLXNA3-related condition. Last evaluated: 2023-02-17. Review status: no assertion criteria provided. Collection method: clinical testing. Allele origin: germline.
Comment: This variant is classified as likely benign based on ACMG/AMP sequence variant interpretation guidelines (Richards et al. 2015 PMID: 25741868, with internal and published modifications).

NM_017514.5(PLXNA3):c.3479G>A (p.Arg1160His)

Gene: PLXNA3 (plexin A3; plus strand). Cytogenetic location: Xq28.
Variant type: single nucleotide variant.
Coding change: c.3479G>A on transcript NM_017514.5 (MANE Select); coding-DNA position 3479, G replaced by A.
Protein change: p.Arg1160His; replaces arginine 1160 with histidine.
Molecular consequence: missense variant.
Genome position (GRCh38, 1-based): chrX:154,467,582, G>A. VCF-style: chrX-154467582-G-A. GRCh37 (hg19) VCF-style: chrX-153695925-G-A.
Other names: short protein forms R1160H.
Identifiers: ClinVar variation 3031718 (VCV003031718.2), dbSNP rs375560348, ClinGen allele CA10564645.